The following is an entry in ClinVar:

NM_020297.4(ABCC9):c.2644-19G>A

Gene: ABCC9 (ATP binding cassette subfamily C member 9; minus strand). Cytogenetic location: 12p12.1.
Variant type: single nucleotide variant.
Coding change: c.2644-19G>A on transcript NM_020297.4 (MANE Select); 19 bases into the intron before coding-DNA position 2644, G replaced by A.
Molecular consequence: intron variant.
Genome position (GRCh38, 1-based): chr12:21,852,241, C>T on the plus strand (G>A on the coding strand, the complement: ABCC9 is on the minus strand). VCF-style: chr12-21852241-C-T. GRCh37 (hg19) VCF-style: chr12-22005175-C-T.
Other names: c.1777-19G>A (NM_001377274.1); c.2644-19G>A (NM_005691.4, NM_001377273.1).
Identifiers: ClinVar variation 977725 (VCV000977725.16), dbSNP rs73254534, ClinGen allele CA6481308.

ClinVar aggregate classification (germline): Benign/Likely benign. Review status: criteria provided, multiple submitters, no conflicts (2 of 4 stars). 7 submissions from 7 submitters: Benign (4); Likely benign (1). 2 of the submissions do not count toward it. Last evaluated 2026-02-03.

Conditions:
Dilated cardiomyopathy 1O (CMD1O). Also called: CARDIOMYOPATHY, DILATED, WITH VENTRICULAR TACHYCARDIA. Identifiers: Orphanet 154, MedGen C1837839, MONDO:0012062, OMIM 608569.

Allele frequency attached by ClinVar (database versions not stated): gnomAD exomes 0.00045 and 0.00118; ExAC 0.00141; gnomAD 0.00477 and 0.00507; ESP Exome Variant Server 0.00492; TOPMed 0.00499; 1000 Genomes Project 0.00559; 1000 Genomes Project 30x 0.00609.
gnomAD v4.1: 1,402 of 1,613,654 alleles (0.087%); highest among the groups gnomAD compares: African/African-American, 1.6%; 14 homozygotes.

Submissions (7):

Labcorp Genetics (formerly Invitae), Labcorp
Classification: Benign for Dilated cardiomyopathy 1O. Last evaluated: 2026-02-03. Review status: criteria provided, single submitter. Criteria: Invitae Variant Classification Sherloc (09022015). Collection method: clinical testing. Allele origin: germline.

Blueprint Genetics
Classification: Likely benign. Last evaluated: 2024-09-16. Review status: criteria provided, single submitter. Criteria: ACMG Guidelines, 2015. Collection method: clinical testing. Allele origin: germline.

ARUP Laboratories, Molecular Genetics and Genomics, ARUP Laboratories
Classification: Benign. Last evaluated: 2023-10-13. Review status: criteria provided, single submitter. Criteria: ARUP Molecular Germline Variant Investigation Process 2024. Collection method: clinical testing. Allele origin: germline.

Women's Health and Genetics/Laboratory Corporation of America, LabCorp
Classification: Benign. Last evaluated: 2020-08-31. Review status: criteria provided, single submitter. Criteria: LabCorp Variant Classification Summary - May 2015. Collection method: clinical testing. Allele origin: germline.
Comment: Variant summary: ABCC9 c.2644-19G>A alters a non-conserved nucleotide located close to a canonical splice site and therefore could affect mRNA splicing, leading to a significantly altered protein sequence. 4/4 computational tools predict no significant impact on normal splicing. However, these predictions have yet to be confirmed by functional studies. The variant allele was found at a frequency of 0.0016 in 282170 control chromosomes, predominantly at a frequency of 0.017 within the African or African-American subpopulation in the gnomAD database, including 4 homozygotes. The observed variant frequency within African or African-American control individuals in the gnomAD database is approximately 1000-fold of the estimated maximal expected allele frequency for a pathogenic variant in ABCC9 causing Dilated Cardiomyopathy phenotype (1.6e-05), strongly suggesting that the variant is a benign polymorphism found primarily in populations of African or African-American origin. To our knowledge, no occurrence of c.2644-19G>A in individuals affected with Dilated Cardiomyopathy and no experimental evidence demonstrating its impact on protein function have been reported. No clinical diagnostic laboratories have submitted clinical-significance assessments for this variant to ClinVar after 2014. Based on the evidence outlined above, the variant was classified as benign.

GeneDx
Classification: Benign. Last evaluated: 2015-03-03. Review status: criteria provided, single submitter. Criteria: GeneDx Variant Classification Process June 2021. Collection method: clinical testing. Allele origin: germline. Affected: yes.

Clinical Genetics, Academic Medical Center
Classification: Benign. Review status: no assertion criteria provided. Collection method: clinical testing. Allele origin: germline. Affected: yes. Study: VKGL Data-share Consensus. Not counted in ClinVar's aggregate classification.

Diagnostic Laboratory, Department of Genetics, University Medical Center Groningen
Classification: Likely benign. Review status: no assertion criteria provided. Collection method: clinical testing. Allele origin: germline. Affected: yes. Study: VKGL Data-share Consensus. Not counted in ClinVar's aggregate classification.